The following is an entry in ClinVar:

ClinVar aggregate classification (germline): Uncertain significance. Review status: criteria provided, multiple submitters, no conflicts (2 of 4 stars). 3 submissions from 3 submitters: Uncertain significance (3). Last evaluated 2024-03-20.

Conditions:
Inborn genetic diseases. Identifiers: MedGen C0950123, MeSH D030342.
Combined immunodeficiency due to DOCK8 deficiency (HIES2). Also called: HYPER-IgE SYNDROME 2, AUTOSOMAL RECESSIVE, WITH RECURRENT INFECTIONS; DOCK8 Deficiency; HYPER-IgE RECURRENT INFECTION SYNDROME 2, AUTOSOMAL RECESSIVE; HIES autosomal recessive; Hyper-IgE recurrent infection syndrome, autosomal recessive. Identifiers: Orphanet 217390, MedGen C4722305, MONDO:0009478, OMIM 243700.

Allele frequency attached by ClinVar (database versions not stated): ExAC 0.00004.
gnomAD v4.1: 10 of 1,614,114 alleles (0.00062%); highest among the groups gnomAD compares: South Asian, 0.011%; 1 homozygote.

Submissions (3):

Fulgent Genetics
Classification: Uncertain significance for Combined immunodeficiency due to DOCK8 deficiency. Last evaluated: 2024-03-20. Review status: criteria provided, single submitter. Criteria: ACMG Guidelines, 2015. Collection method: clinical testing. Allele origin: germline.

Labcorp Genetics (formerly Invitae), Labcorp
Classification: Uncertain significance for Combined immunodeficiency due to DOCK8 deficiency. Last evaluated: 2022-08-03. Review status: criteria provided, single submitter. Criteria: Invitae Variant Classification Sherloc (09022015). Collection method: clinical testing. Allele origin: germline.
Comment: In summary, the available evidence is currently insufficient to determine the role of this variant in disease. Therefore, it has been classified as a Variant of Uncertain Significance. Algorithms developed to predict the effect of missense changes on protein structure and function (SIFT, PolyPhen-2, Align-GVGD) all suggest that this variant is likely to be tolerated. This variant has not been reported in the literature in individuals affected with DOCK8-related conditions. This variant is present in population databases (rs780612775, gnomAD 0.02%), including at least one homozygous and/or hemizygous individual. This sequence change replaces valine, which is neutral and non-polar, with phenylalanine, which is neutral and non-polar, at codon 457 of the DOCK8 protein (p.Val457Phe).

Ambry Genetics
Classification: Uncertain significance for Inborn genetic diseases. Last evaluated: 2022-07-19. Review status: criteria provided, single submitter. Criteria: Ambry Variant Classification Scheme 2023. Collection method: clinical testing. Allele origin: germline.

NM_203447.4(DOCK8):c.1369G>T (p.Val457Phe)

Gene: DOCK8 (dedicator of cytokinesis 8; plus strand). Cytogenetic location: 9p24.3.
Variant type: single nucleotide variant.
Coding change: c.1369G>T on transcript NM_203447.4 (MANE Select); coding-DNA position 1369, G replaced by T.
Protein change: p.Val457Phe; replaces valine 457 with phenylalanine.
Molecular consequence: missense variant.
Genome position (GRCh38, 1-based): chr9:336,665, G>T. VCF-style: chr9-336665-G-T. GRCh37 (hg19) VCF-style: chr9-336665-G-T.
Other names: c.1165G>T, p.Val389Phe (NM_001190458.2, NM_001193536.2); short protein forms V457F, V389F.
Identifiers: ClinVar variation 1955727 (VCV001955727.7), dbSNP rs780612775, ClinGen allele CA4957704.
Genomic context (GRCh38, chr9:336,665, plus strand): 5'-AGGACATTGGCCCAATCTAGAAGGCTTTCTGAAAGAGCCCTCTCCTTGGAGGAAAATGGG[G>T]TTGGATCCAACTTCAAAACCTCCACTCTGAGCGTTAGCAGCTTTTTCAAGCAGGTATCTC-3'
Protein context (NP_982272.2, residues 447-467): ERALSLEENG[Val457Phe]GSNFKTSTLS